The following is an entry in ClinVar:

NM_001394062.1(MACF1):c.18399C>T (p.Ser6133=)

Gene: MACF1 (microtubule actin crosslinking factor 1; plus strand). Cytogenetic location: 1p34.3.
Variant type: single nucleotide variant.
Coding change: c.18399C>T on transcript NM_001394062.1 (MANE Select); coding-DNA position 18399, C replaced by T.
Protein change: p.Ser6133=; no amino-acid change (serine 6133 retained).
Molecular consequence: synonymous variant.
Genome position (GRCh38, 1-based): chr1:39,439,452, C>T. VCF-style: chr1-39439452-C-T. GRCh37 (hg19) VCF-style: chr1-39905124-C-T.
Other names: c.6477C>T, p.Ser2159= (NM_001397473.1); c.12222C>T, p.Ser4074= (NM_012090.5).
Identifiers: ClinVar variation 3341706 (VCV003341706.16).

ClinVar aggregate classification (germline): Uncertain significance (1 of 4 stars; one submission).

gnomAD v4.1: 1 of 1,614,186 alleles (0.000062%); highest among the groups gnomAD compares: Non-Finnish European, 0.000085%; no homozygotes.

Submission:

CeGaT Center for Human Genetics Tuebingen
Classification: Uncertain significance. Last evaluated: 2024-08-01. Review status: criteria provided, single submitter. Criteria: CeGaT Center For Human Genetics Tuebingen Variant Classification Criteria Version 2. Collection method: clinical testing. Allele origin: germline. Affected: yes. Observed: 1 variant allele.
Comment: MACF1: PM2:Supporting, BP4